The following is an entry in ClinVar:

NM_014804.3(KIAA0753):c.202G>A (p.Glu68Lys)

Gene: KIAA0753 (KIAA0753; minus strand). Cytogenetic location: 17p13.1.
Variant type: single nucleotide variant.
Coding change: c.202G>A on transcript NM_014804.3 (MANE Select); coding-DNA position 202, G replaced by A.
Protein change: p.Glu68Lys; replaces glutamic acid 68 with lysine.
Molecular consequence: missense variant. On other transcripts: 5 prime UTR variant (1), non-coding transcript variant (3).
Genome position (GRCh38, 1-based): chr17:6,628,633, C>T on the plus strand (G>A on the coding strand, the complement: KIAA0753 is on the minus strand). VCF-style: chr17-6628633-C-T. GRCh37 (hg19) VCF-style: chr17-6531953-C-T.
Other names: c.202G>A (NM_014804.2); c.-1033G>A (NM_001351225.2); short protein forms E68K.
Identifiers: ClinVar variation 1012888 (VCV001012888.44), dbSNP rs199515742, ClinGen allele CA8330815.
Genomic context (GRCh38, chr17:6,628,633, plus strand): 5'-AAACAGAACTGCCCAGGTCAGGACCAACTCTACAATCTGCATCTTTACAATGGTATGATT[C>T]ATTGTATGAGTGCTTCAGTTTTTCAATTCTAATGGCATGTGGGCAAGAATATCGGATCGC-3'
Protein context (NP_055619.2, residues 58-78): RIEKLKHSYN[Glu68Lys]SYHCKDADCR

ClinVar aggregate classification (germline): Uncertain significance. Review status: criteria provided, multiple submitters, no conflicts (2 of 4 stars). 4 submissions from 4 submitters: Uncertain significance (4). Last evaluated 2025-12-09.

Conditions:
Inborn genetic diseases. Identifiers: MedGen C0950123, MeSH D030342.

Allele frequency attached by ClinVar (database versions not stated): TOPMed 0.00006; gnomAD exomes 0.00007 and 0.00018; ESP Exome Variant Server 0.00008; gnomAD 0.00009 and 0.00010; ExAC 0.00026.
gnomAD v4.1: 136 of 1,614,022 alleles (0.0084%); highest among the groups gnomAD compares: Middle Eastern, 0.016%; no homozygotes.

Submissions (4):

Ambry Genetics
Classification: Uncertain significance for Inborn genetic diseases. Last evaluated: 2025-12-09. Review status: criteria provided, single submitter. Criteria: Ambry Variant Classification Scheme 2023. Collection method: clinical testing. Allele origin: germline.

Labcorp Genetics (formerly Invitae), Labcorp
Classification: Uncertain significance. Last evaluated: 2025-08-21. Review status: criteria provided, single submitter. Criteria: Invitae Variant Classification Sherloc (09022015). Collection method: clinical testing. Allele origin: germline.
Comment: This sequence change replaces glutamic acid, which is acidic and polar, with lysine, which is basic and polar, at codon 68 of the KIAA0753 protein (p.Glu68Lys). This variant is present in population databases (rs199515742, gnomAD 0.07%), including at least one homozygous and/or hemizygous individual. This variant has not been reported in the literature in individuals affected with KIAA0753-related conditions. ClinVar contains an entry for this variant (Variation ID: 1012888). An algorithm developed to predict the effect of missense changes on protein structure and function (PolyPhen-2) suggests that this variant is likely to be disruptive. In summary, the available evidence is currently insufficient to determine the role of this variant in disease. Therefore, it has been classified as a Variant of Uncertain Significance.

Blueprint Genetics
Classification: Uncertain significance. Last evaluated: 2024-06-07. Review status: criteria provided, single submitter. Criteria: ACMG Guidelines, 2015. Collection method: clinical testing. Allele origin: germline.

CeGaT Center for Human Genetics Tuebingen
Classification: Uncertain significance. Last evaluated: 2021-01-01. Review status: criteria provided, single submitter. Criteria: CeGaT Center For Human Genetics Tuebingen Variant Classification Criteria Version 2. Collection method: clinical testing. Allele origin: germline. Affected: yes. Observed: 1 variant allele.